The following is an entry in ClinVar:

ClinVar aggregate classification (germline): Uncertain significance (1 of 4 stars; one submission).

gnomAD v4.1: 28 of 1,612,562 alleles (0.0017%); highest among the groups gnomAD compares: South Asian, 0.0022%; no homozygotes.

Submission:

Women's Health and Genetics/Laboratory Corporation of America, LabCorp
Classification: Uncertain significance. Last evaluated: 2026-03-09. Review status: criteria provided, single submitter. Criteria: LabCorp Variant Classification Summary - May 2015. Collection method: clinical testing. Allele origin: germline.
Comment: Variant summary: AEBP1 c.*7C>T is located in the untranslated mRNA region downstream of the termination codon. The variant allele was found at a frequency of 2e-05 in 250756 control chromosomes. The available data on variant occurrences in the general population are insufficient to allow any conclusion about variant significance. To our knowledge, no occurrence of c.*7C>T in individuals affected with AEBP1-related conditions and no experimental evidence demonstrating its impact on protein function have been reported. ClinVar contains an entry for this variant (Variation ID: 3769519). Based on the evidence outlined above, the variant was classified as uncertain significance.

NM_001129.5(AEBP1):c.*7C>T

Gene: AEBP1 (AE binding protein 1; plus strand). Cytogenetic location: 7p13.
Variant type: single nucleotide variant.
Coding change: c.*7C>T on transcript NM_001129.5 (MANE Select); 7 bases downstream of the stop codon, C replaced by T.
Molecular consequence: 3 prime UTR variant.
Genome position (GRCh38, 1-based): chr7:44,114,268, C>T. VCF-style: chr7-44114268-C-T. GRCh37 (hg19) VCF-style: chr7-44153867-C-T.
Identifiers: ClinVar variation 3769519 (VCV003769519.3).